The following is an entry in ClinVar:

ClinVar aggregate classification (germline): Uncertain significance (1 of 4 stars; one submission).

Submission:

Ambry Genetics
Classification: Uncertain significance. Last evaluated: 2025-07-28. Review status: criteria provided, single submitter. Criteria: Ambry Variant Classification Scheme 2023. Collection method: clinical testing. Allele origin: germline.
Comment: The p.E483K variant (also known as c.1447G>A), located in coding exon 13 of the GEN1 gene, results from a G to A substitution at nucleotide position 1447. The glutamic acid at codon 483 is replaced by lysine, an amino acid with similar properties. This amino acid position is conserved. In addition, this alteration is predicted to be tolerated by in silico analysis. Based on the available evidence, the clinical significance of this variant remains unclear.

NM_001130009.3(GEN1):c.1447G>A (p.Glu483Lys)

Gene: GEN1 (GEN1 Holliday junction 5' flap endonuclease; plus strand). Cytogenetic location: 2p24.2.
Variant type: single nucleotide variant.
Coding change: c.1447G>A on transcript NM_001130009.3 (MANE Select); coding-DNA position 1447, G replaced by A.
Protein change: p.Glu483Lys; replaces glutamic acid 483 with lysine.
Molecular consequence: missense variant.
Genome position (GRCh38, 1-based): chr2:17,780,659, G>A. VCF-style: chr2-17780659-G-A. GRCh37 (hg19) VCF-style: chr2-17961926-G-A.
Other names: c.1447G>A, p.Glu483Lys (NM_182625.5); short protein forms E483K.
Identifiers: ClinVar variation 4263045 (VCV004263045.1).